The following is an entry in ClinVar:

ClinVar aggregate classification (germline): Uncertain significance (1 of 4 stars; one submission).

Submission:

GeneDx
Classification: Uncertain significance. Last evaluated: 2024-07-06. Review status: criteria provided, single submitter. Criteria: GeneDx Variant Classification Process June 2021. Collection method: clinical testing. Allele origin: germline. Affected: yes.
Comment: Not observed at significant frequency in large population cohorts (gnomAD); In silico analysis indicates that this missense variant does not alter protein structure/function; Has not been previously published as pathogenic or benign to our knowledge; This variant is associated with the following publications: (PMID: 25512093, 25609763, 26100331)

NM_001376.5(DYNC1H1):c.12522C>G (p.Asn4174Lys)

Gene: DYNC1H1 (dynein cytoplasmic 1 heavy chain 1; plus strand). Cytogenetic location: 14q32.31.
Variant type: single nucleotide variant.
Coding change: c.12522C>G on transcript NM_001376.5 (MANE Select); coding-DNA position 12522, C replaced by G.
Protein change: p.Asn4174Lys; replaces asparagine 4174 with lysine.
Molecular consequence: missense variant.
Genome position (GRCh38, 1-based): chr14:102,043,883, C>G. VCF-style: chr14-102043883-C-G. GRCh37 (hg19) VCF-style: chr14-102510220-C-G.
Other names: short protein forms N4174K.
Identifiers: ClinVar variation 3393766 (VCV003393766.1).